The following is an entry in ClinVar:

ClinVar aggregate classification (germline): Pathogenic (1 of 4 stars; one submission).

Conditions:
Breast-ovarian cancer, familial, susceptibility to, 2 (BROVCA2). Also called: BRCA2 Hereditary Breast and Ovarian Cancer. Identifiers: Orphanet 145, MedGen C2675520, MONDO:0012933, OMIM 612555. Disease mechanism: loss of function.

Submission:

Myriad Genetics, Inc.
Classification: Pathogenic for Breast-ovarian cancer, familial, susceptibility to, 2. Last evaluated: 2023-02-13. Review status: criteria provided, single submitter. Criteria: Myriad Autosomal Dominant, Autosomal Recessive and X-Linked Classification Criteria (2023). Collection method: clinical testing. Allele origin: unknown.
Comment: This variant is considered pathogenic. This variant creates a frameshift predicted to result in premature protein truncation.

NM_000059.4(BRCA2):c.1152del (p.Lys385fs)

Gene: BRCA2 (BRCA2 DNA repair associated; plus strand). Cytogenetic location: 13q13.1.
Variant type: Deletion.
Coding change: c.1152del on transcript NM_000059.4 (MANE Select); coding-DNA position 1152, one base deleted (C; older notation c.1152delC).
Protein change: p.Lys385fs; shifts the reading frame from lysine 385.
Molecular consequence: frameshift variant. On other transcripts: non-coding transcript variant (1), intron variant (1).
Genome position (GRCh38, 1-based): chr13:32,332,630, C deleted; the last of 2 consecutive C bases (chr13:32,332,629-32,332,630); deleting either gives the same sequence. VCF-style (leftmost placement, unchanged base first): chr13-32332628-TC-T. GRCh37 (hg19) VCF-style: chr13-32906765-TC-T.
Other names: c.1152del, p.Lys385fs (NM_001406719.1, NM_001406720.1, NM_001406721.1); c.424+1600del (NM_001406722.1); short protein forms K385fs.
Identifiers: ClinVar variation 2573318 (VCV002573318.1), dbSNP rs2548519671, ClinGen allele CA2580614649.
Genomic context (GRCh38, chr13:32,332,628, plus strand): 5'-GATCCATTAGATTCAAATGTAGCAAATCAGAAGCCCTTTGAGAGTGGAAGTGACAAAATC[TC>T]CAAGGAAGTTGTACCGTCTTTGGCCTGTGAATGGTCTCAACTAACCCTTTCAGGTCTAAA-3'